The following is an entry in ClinVar:

NM_001042492.3(NF1):c.3473A>G (p.Asp1158Gly)

Gene: NF1 (neurofibromin 1; plus strand). Cytogenetic location: 17q11.2.
Variant type: single nucleotide variant.
Coding change: c.3473A>G on transcript NM_001042492.3 (MANE Select); coding-DNA position 3473, A replaced by G.
Protein change: p.Asp1158Gly; replaces aspartic acid 1158 with glycine.
Molecular consequence: missense variant.
Genome position (GRCh38, 1-based): chr17:31,232,858, A>G. VCF-style: chr17-31232858-A-G. GRCh37 (hg19) VCF-style: chr17-29559876-A-G.
Other names: c.3473A>G, p.Asp1158Gly (NM_000267.4); short protein forms D1158G.
Identifiers: ClinVar variation 1056467 (VCV001056467.6), dbSNP rs2151434824, ClinGen allele CA398989407.

ClinVar aggregate classification (germline): Uncertain significance. Review status: criteria provided, multiple submitters, no conflicts (2 of 4 stars). 2 submissions from 2 submitters: Uncertain significance (2). Last evaluated 2025-10-19.

Conditions:
Cardiovascular phenotype. Identifiers: MedGen CN230736.
Hereditary cancer-predisposing syndrome. Also called: Tumor predisposition; Neoplastic Syndromes, Hereditary; Hereditary Cancer Syndrome; Hereditary neoplastic syndrome. Identifiers: Orphanet 140162, MedGen C0027672, MeSH D009386, MONDO:0015356.
Neurofibromatosis, type 1 (NF1). Also called: NEUROFIBROMATOSIS, TYPE I, SOMATIC; Neurofibromatosis, type I; VON RECKLINGHAUSEN DISEASE; Peripheral type neurofibromatosis. Identifiers: Orphanet 636, MedGen C0027831, MONDO:0018975, OMIM 162200. Disease mechanism: loss of function.

Submissions (2):

Labcorp Genetics (formerly Invitae), Labcorp
Classification: Uncertain significance for Neurofibromatosis, type 1. Last evaluated: 2025-10-19. Review status: criteria provided, single submitter. Criteria: Invitae Variant Classification Sherloc (09022015). Collection method: clinical testing. Allele origin: germline.
Comment: This sequence change replaces aspartic acid, which is acidic and polar, with glycine, which is neutral and non-polar, at codon 1158 of the NF1 protein (p.Asp1158Gly). This variant is not present in population databases (gnomAD no frequency). This variant has not been reported in the literature in individuals affected with NF1-related conditions. ClinVar contains an entry for this variant (Variation ID: 1056467). Invitae Evidence Modeling of protein sequence and biophysical properties (such as structural, functional, and spatial information, amino acid conservation, physicochemical variation, residue mobility, and thermodynamic stability) indicates that this missense variant is expected to disrupt NF1 protein function with a positive predictive value of 95%. In summary, the available evidence is currently insufficient to determine the role of this variant in disease. Therefore, it has been classified as a Variant of Uncertain Significance.

Ambry Genetics
Classification: Uncertain significance for Cardiovascular phenotype; Hereditary cancer-predisposing syndrome. Last evaluated: 2023-03-21. Review status: criteria provided, single submitter. Criteria: Ambry Variant Classification Scheme 2023. Collection method: clinical testing. Allele origin: germline.
Comment: The p.D1158G variant (also known as c.3473A>G), located in coding exon 26 of the NF1 gene, results from an A to G substitution at nucleotide position 3473. The aspartic acid at codon 1158 is replaced by glycine, an amino acid with similar properties. This amino acid position is highly conserved in available vertebrate species. In addition, the in silico prediction for this alteration is inconclusive. Since supporting evidence is limited at this time, the clinical significance of this alteration remains unclear.